The following is an entry in ClinVar:

ClinVar aggregate classification (germline): Uncertain significance (1 of 4 stars; one submission).

Conditions:
Hereditary cancer-predisposing syndrome. Also called: Neoplastic Syndromes, Hereditary; Tumor predisposition; Hereditary neoplastic syndrome; Hereditary Cancer Syndrome. Identifiers: Orphanet 140162, MedGen C0027672, MeSH D009386, MONDO:0015356.

gnomAD v4.1: 2 of 1,614,060 alleles (0.00012%); highest among the groups gnomAD compares: South Asian, 0.0022%; no homozygotes.

Submission:

Ambry Genetics
Classification: Uncertain significance for Hereditary cancer-predisposing syndrome. Last evaluated: 2026-07-06. Review status: criteria provided, single submitter. Criteria: Ambry Variant Classification Scheme 2023. Collection method: clinical testing. Allele origin: germline.
Comment: The p.K477R variant (also known as c.1430A>G), located in coding exon 10 of the FH gene, results from an A to G substitution at nucleotide position 1430. The lysine at codon 477 is replaced by arginine, an amino acid with highly similar properties. This amino acid position is conserved. In addition, the in silico prediction for this alteration is inconclusive. Based on the available evidence, the clinical significance of this variant remains unclear.

NM_000143.4(FH):c.1430A>G (p.Lys477Arg)

Gene: FH (fumarate hydratase; minus strand). Cytogenetic location: 1q43.
Variant type: single nucleotide variant.
Coding change: c.1430A>G on transcript NM_000143.4 (MANE Select); coding-DNA position 1430, A replaced by G.
Protein change: p.Lys477Arg; replaces lysine 477 with arginine.
Molecular consequence: missense variant.
Genome position (GRCh38, 1-based): chr1:241,497,931, T>C on the plus strand (A>G on the coding strand, the complement: FH is on the minus strand). VCF-style: chr1-241497931-T-C. GRCh37 (hg19) VCF-style: chr1-241661231-T-C.
Other names: short protein forms K477R.
Identifiers: ClinVar variation 5021723 (VCV005021723.1).